The following is an entry in ClinVar:

NM_003738.5(PTCH2):c.3427T>G (p.Trp1143Gly)

Gene: PTCH2 (patched 2; minus strand). Cytogenetic location: 1p34.1.
Variant type: single nucleotide variant.
Coding change: c.3427T>G on transcript NM_003738.5 (MANE Select); coding-DNA position 3427, T replaced by G.
Protein change: p.Trp1143Gly; replaces tryptophan 1143 with glycine.
Molecular consequence: missense variant. On other transcripts: splice donor variant (1).
Genome position (GRCh38, 1-based): chr1:44,822,600, A>C on the plus strand (T>G on the coding strand, the complement: PTCH2 is on the minus strand). VCF-style: chr1-44822600-A-C. GRCh37 (hg19) VCF-style: chr1-45288272-A-C.
Other names: c.3425+2T>G (NM_001166292.2); short protein forms W1143G.
Identifiers: ClinVar variation 1441156 (VCV001441156.6), dbSNP rs1573638370, ClinGen allele CA340105633.
Genomic context (GRCh38, chr1:44,822,600, plus strand): 5'-CCACGGTCATGGAGGTAGTCACTCTGGCAAAGCTCTGGGGCAGGGAGGAGGATGCCCCCC[A>C]CCTAAGCCCGCCTCCCTGTGGAGCTGGTGGACTCAGGATCTCTGGGCTTTCCTTGTACAT-3'
Protein context (NP_003729.3, residues 1133-1153): PPAPQGGGLR[Trp1143Gly]GASSSLPQSF

ClinVar aggregate classification (germline): Uncertain significance (1 of 4 stars; one submission).

Conditions:
Gorlin syndrome. Also called: Basal cell nevus syndrome; Nevoid Basal Cell Carcinoma Syndrome. Identifiers: Orphanet 377, MedGen C0004779, MONDO:0007187.

Allele frequency attached by ClinVar (database versions not stated): gnomAD exomes below 0.00001; TOPMed 0.00001.
gnomAD v4.1: 1 of 1,613,708 alleles (0.000062%); highest among the groups gnomAD compares: Admixed American, 0.0017%; no homozygotes.

Submission:

Labcorp Genetics (formerly Invitae), Labcorp
Classification: Uncertain significance for Gorlin syndrome. Last evaluated: 2022-07-14. Review status: criteria provided, single submitter. Criteria: Invitae Variant Classification Sherloc (09022015). Collection method: clinical testing. Allele origin: germline.
Comment: ClinVar contains an entry for this variant (Variation ID: 1441156). In summary, the available evidence is currently insufficient to determine the role of this variant in disease. Therefore, it has been classified as a Variant of Uncertain Significance. Algorithms developed to predict the effect of missense changes on protein structure and function (SIFT, PolyPhen-2, Align-GVGD) all suggest that this variant is likely to be tolerated. This variant has not been reported in the literature in individuals affected with PTCH2-related conditions. This variant is not present in population databases (gnomAD no frequency). This sequence change replaces tryptophan, which is neutral and slightly polar, with glycine, which is neutral and non-polar, at codon 1143 of the PTCH2 protein (p.Trp1143Gly).